The following is an entry in ClinVar:

NM_000158.4(GBE1):c.728A>G (p.His243Arg)

Gene: GBE1 (1,4-alpha-glucan branching enzyme 1; minus strand). Cytogenetic location: 3p12.2.
Variant type: single nucleotide variant.
Coding change: c.728A>G on transcript NM_000158.4 (MANE Select); coding-DNA position 728, A replaced by G.
Protein change: p.His243Arg; replaces histidine 243 with arginine.
Molecular consequence: missense variant.
Genome position (GRCh38, 1-based): chr3:81,646,446, T>C on the plus strand (A>G on the coding strand, the complement: GBE1 is on the minus strand). VCF-style: chr3-81646446-T-C. GRCh37 (hg19) VCF-style: chr3-81695597-T-C.
Other names: short protein forms H243R.
Identifiers: ClinVar variation 4068469 (VCV004068469.2).

ClinVar aggregate classification (germline): Likely pathogenic (1 of 4 stars; one submission).

Conditions:
Glycogen storage disease, type IV (GSD4). Also called: AMYLOPECTINOSIS; ANDERSEN DISEASE; BRANCHER DEFICIENCY; CIRRHOSIS, FAMILIAL, WITH DEPOSITION OF ABNORMAL GLYCOGEN; GBE1 DEFICIENCY; GLYCOGEN BRANCHING ENZYME DEFICIENCY. Identifiers: Orphanet 367, MedGen C0017923, MONDO:0009292, OMIM 232500.

Submission:

Natera, Inc.
Classification: Likely pathogenic for Glycogen storage disease type IV. Last evaluated: 2025-05-29. Review status: criteria provided, single submitter. Criteria: Natera Variant Classification Schema (03/2026). Collection method: clinical testing. Allele origin: germline.
Comment: The c.728A>G variant in GBE1 is a missense variant predicted to cause substitution of histidine to arginine at amino acid 243. This variant is rare in the general population with a frequency below the threshold expected for the associated phenotype(s). This variant has been observed in one or more individuals affected with the associated recessive disease, as either homozygous or compound heterozygous with a second variant (PMID: 15452297). This variant has been identified in one or more affected individuals with a phenotype highly consistent with the associated gene (PMID: 15452297). Computational prediction algorithms indicate this variant is likely to affect gene or protein function. Given the available evidence, this variant is classified as Likely Pathogenic.

Literature cited by the submitters: PubMed 15452297.